The following is an entry in ClinVar:

ClinVar aggregate classification (germline): Uncertain significance (1 of 4 stars; one submission).

Allele frequency attached by ClinVar (database versions not stated): TOPMed below 0.00001.

Submission:

GeneDx
Classification: Uncertain significance. Last evaluated: 2022-06-30. Review status: criteria provided, single submitter. Criteria: GeneDx Variant Classification Process June 2021. Collection method: clinical testing. Allele origin: germline. Affected: yes.
Comment: Not observed at significant frequency in large population cohorts (gnomAD); Missense variant in a gene in which most reported pathogenic variants are truncating/loss of function; Has not been previously published as pathogenic or benign to our knowledge

NM_001267550.2(TTN):c.40333C>T (p.Leu13445Phe)

Gene: TTN (titin; minus strand). Cytogenetic location: 2q31.2.
Variant type: single nucleotide variant.
Coding change: c.40333C>T on transcript NM_001267550.2 (MANE Select); coding-DNA position 40333, C replaced by T.
Protein change: p.Leu13445Phe; replaces leucine 13445 with phenylalanine.
Molecular consequence: missense variant. On other transcripts: intron variant (3).
Genome position (GRCh38, 1-based): chr2:178,645,995, G>A on the plus strand (C>T on the coding strand, the complement: TTN is on the minus strand). VCF-style: chr2-178645995-G-A. GRCh37 (hg19) VCF-style: chr2-179510722-G-A.
Other names: c.35410C>T, p.Leu11804Phe (NM_001256850.1); c.32629C>T, p.Leu10877Phe (NM_133378.4); c.13283-3678C>T (NM_003319.4); c.13859-3678C>T (NM_133437.4); c.13658-3678C>T (NM_133432.3); short protein forms L10877F, L11804F, L13445F.
Identifiers: ClinVar variation 2429699 (VCV002429699.1), dbSNP rs1318646196, ClinGen allele CA349439294.